The following is an entry in ClinVar:

ClinVar aggregate classification (germline): Benign (0 of 4 stars; one submission).

Conditions:
PIWIL1-related disorder. Also called: PIWIL1-related condition.

Allele frequency attached by ClinVar (database versions not stated): ExAC 0.17783; gnomAD exomes 0.18364; 1000 Genomes Project 0.18530; 1000 Genomes Project 30x 0.18582; TOPMed 0.18660; gnomAD 0.18712; ESP Exome Variant Server 0.20237.
gnomAD v4.1: 296,158 of 1,607,994 alleles (18%); highest among the groups gnomAD compares: African/African-American, 22%; 28,114 homozygotes.

Submission:

PreventionGenetics, part of Exact Sciences
Classification: Benign for PIWIL1-related condition. Last evaluated: 2019-10-21. Review status: no assertion criteria provided. Collection method: clinical testing. Allele origin: germline.
Comment: This variant is classified as benign based on ACMG/AMP sequence variant interpretation guidelines (Richards et al. 2015 PMID: 25741868, with internal and published modifications).

NM_004764.5(PIWIL1):c.1128G>A (p.Leu376=)

Gene: PIWIL1 (piwi like RNA-mediated gene silencing 1; plus strand). Cytogenetic location: 12q24.33.
Variant type: single nucleotide variant.
Coding change: c.1128G>A on transcript NM_004764.5 (MANE Select); coding-DNA position 1128, G replaced by A.
Protein change: p.Leu376=; no amino-acid change (leucine 376 retained).
Molecular consequence: synonymous variant.
Genome position (GRCh38, 1-based): chr12:130,354,620, G>A. VCF-style: chr12-130354620-G-A. GRCh37 (hg19) VCF-style: chr12-130839165-G-A.
Other names: c.1128G>A, p.Leu376= (NM_001190971.2).
Identifiers: ClinVar variation 3060640 (VCV003060640.2), dbSNP rs10848087, ClinGen allele CA6877167.
Genomic context (GRCh38, chr12:130,354,620, plus strand): 5'-CTTGAAGCAGCCTGTCTTGGTCAGCCAGCCCAAGAGAAGGCGGGGCCCTGGGGGGACACT[G>A]CCAGGGCCTGCCATGCTCATTCCTGAGCTCTGCTATCTTACAGGTACTGTTGCATTTCAT-3'
Protein context (NP_004755.2, residues 366-386): PKRRRGPGGT[Leu376=]PGPAMLIPEL